The following is an entry in ClinVar:

ClinVar aggregate classification (germline): Uncertain significance (1 of 4 stars; one submission).

Conditions:
Hereditary cancer-predisposing syndrome. Also called: Hereditary neoplastic syndrome; Neoplastic Syndromes, Hereditary; Tumor predisposition; Hereditary Cancer Syndrome. Identifiers: Orphanet 140162, MedGen C0027672, MeSH D009386, MONDO:0015356.

Submission:

Ambry Genetics
Classification: Uncertain significance for Hereditary cancer-predisposing syndrome. Last evaluated: 2025-08-27. Review status: criteria provided, single submitter. Criteria: Ambry Variant Classification Scheme 2023. Collection method: clinical testing. Allele origin: germline.
Comment: The p.A319T variant (also known as c.955G>A), located in coding exon 11 of the MUTYH gene, results from a G to A substitution at nucleotide position 955. The alanine at codon 319 is replaced by threonine, an amino acid with similar properties. This amino acid position is conserved. In addition, this alteration is predicted to be tolerated by in silico analysis. Based on the available evidence, the clinical significance of this variant remains unclear.

NM_001048174.2(MUTYH):c.871G>A (p.Ala291Thr)

Gene: MUTYH (mutY DNA glycosylase; minus strand). Cytogenetic location: 1p34.1.
Variant type: single nucleotide variant.
Coding change: c.871G>A on transcript NM_001048174.2 (MANE Select); coding-DNA position 871, G replaced by A.
Protein change: p.Ala291Thr; replaces alanine 291 with threonine.
Molecular consequence: missense variant. On other transcripts: non-coding transcript variant (7).
Genome position (GRCh38, 1-based): chr1:45,332,065, C>T on the plus strand (G>A on the coding strand, the complement: MUTYH is on the minus strand). VCF-style: chr1-45332065-C-T. GRCh37 (hg19) VCF-style: chr1-45797737-C-T.
Other names: c.871G>A, p.Ala291Thr (NM_001048171.2, NM_001048173.2, NM_001293195.2 and 6 more transcripts); c.874G>A, p.Ala292Thr (NM_001048172.2, NM_001407071.1, NM_001407078.1 and 1 more transcripts); c.955G>A, p.Ala319Thr (NM_001128425.2); c.916G>A, p.Ala306Thr (NM_001293190.2); c.904G>A, p.Ala302Thr (NM_001293191.2, NM_001407069.1, NM_001407077.1); c.595G>A, p.Ala199Thr (NM_001293192.2, NM_001293196.2, NM_001407091.1); c.526G>A, p.Ala176Thr (NM_001350650.2, NM_001350651.2, NM_001407082.1); c.787G>A, p.Ala263Thr (NM_001407075.1); and 5 more; short protein forms A263T, A292T, A305T, A306T, A316T, A277T, A298T, A176T.
Identifiers: ClinVar variation 4113948 (VCV004113948.1).